The following is an entry in ClinVar:

ClinVar aggregate classification (germline): Uncertain significance (1 of 4 stars; one submission).

Conditions:
Hereditary cancer-predisposing syndrome. Also called: Tumor predisposition; Neoplastic Syndromes, Hereditary; Hereditary Cancer Syndrome; Hereditary neoplastic syndrome. Identifiers: Orphanet 140162, MedGen C0027672, MeSH D009386, MONDO:0015356.

Submission:

Ambry Genetics
Classification: Uncertain significance for Hereditary cancer-predisposing syndrome. Last evaluated: 2018-07-19. Review status: criteria provided, single submitter. Criteria: Ambry Variant Classification Scheme 2023. Collection method: clinical testing. Allele origin: germline.
Comment: The p.E2290G variant (also known as c.6869A>G), located in coding exon 46 of the ATM gene, results from an A to G substitution at nucleotide position 6869. The glutamic acid at codon 2290 is replaced by glycine, an amino acid with similar properties. This amino acid position is well conserved in available vertebrate species. In addition, this alteration is predicted to be tolerated by in silico analysis. Since supporting evidence is limited at this time, the clinical significance of this alteration remains unclear.

NM_000051.4(ATM):c.6869A>G (p.Glu2290Gly)

Genes: ATM (ATM serine/threonine kinase; plus strand), C11orf65 (chromosome 11 open reading frame 65; minus strand). Cytogenetic location: 11q22.3.
Variant type: single nucleotide variant.
Coding change: c.6869A>G on transcript NM_000051.4 (MANE Select); coding-DNA position 6869, A replaced by G.
Protein change: p.Glu2290Gly; replaces glutamic acid 2290 with glycine.
Molecular consequence: missense variant. On other transcripts: intron variant (2).
Genome position (GRCh38, 1-based): chr11:108,326,119, A>G. VCF-style: chr11-108326119-A-G. GRCh37 (hg19) VCF-style: chr11-108196846-A-G.
Other names: c.6869A>G, p.Glu2290Gly (NM_001351834.2); c.641-17048T>C (NM_001330368.2); c.*38+9101T>C (NM_001351110.2); short protein forms E2290G.
Identifiers: ClinVar variation 826672 (VCV000826672.6), dbSNP rs1555119842, ClinGen allele CA382556768.